The following is an entry in ClinVar:

ClinVar aggregate classification (germline): Uncertain significance. Review status: criteria provided, multiple submitters, no conflicts (2 of 4 stars). 2 submissions from 2 submitters: Uncertain significance (2). Last evaluated 2026-01-15.

Allele frequency attached by ClinVar (database versions not stated): gnomAD exomes 0.00001; TOPMed 0.00002; ExAC 0.00003.
gnomAD v4.1: 23 of 1,611,186 alleles (0.0014%); highest among the groups gnomAD compares: Admixed American, 0.0068%; no homozygotes.

Submissions (2):

Labcorp Genetics (formerly Invitae), Labcorp
Classification: Uncertain significance. Last evaluated: 2026-01-15. Review status: criteria provided, single submitter. Criteria: Invitae Variant Classification Sherloc (09022015). Collection method: clinical testing. Allele origin: germline.
Comment: This sequence change replaces arginine, which is basic and polar, with histidine, which is basic and polar, at codon 53 of the MRPS14 protein (p.Arg53His). This variant is present in population databases (rs199698673, gnomAD 0.01%). This variant has not been reported in the literature in individuals affected with MRPS14-related conditions. ClinVar contains an entry for this variant (Variation ID: 1929141). An algorithm developed to predict the effect of missense changes on protein structure and function (PolyPhen-2) suggests that this variant is likely to be disruptive. In summary, the available evidence is currently insufficient to determine the role of this variant in disease. Therefore, it has been classified as a Variant of Uncertain Significance.

Ambry Genetics
Classification: Uncertain significance. Last evaluated: 2024-11-19. Review status: criteria provided, single submitter. Criteria: Ambry Variant Classification Scheme 2023. Collection method: clinical testing. Allele origin: germline.

NM_022100.3(MRPS14):c.158G>A (p.Arg53His)

Gene: MRPS14 (mitochondrial ribosomal protein S14; minus strand). Cytogenetic location: 1q25.1.
Variant type: single nucleotide variant.
Coding change: c.158G>A on transcript NM_022100.3 (MANE Select); coding-DNA position 158, G replaced by A.
Protein change: p.Arg53His; replaces arginine 53 with histidine.
Molecular consequence: missense variant. On other transcripts: non-coding transcript variant (1).
Genome position (GRCh38, 1-based): chr1:175,018,464, C>T on the plus strand (G>A on the coding strand, the complement: MRPS14 is on the minus strand). VCF-style: chr1-175018464-C-T. GRCh37 (hg19) VCF-style: chr1-174987600-C-T.
Other names: c.158G>A (NM_022100.2); short protein forms R53H.
Identifiers: ClinVar variation 1929141 (VCV001929141.6), dbSNP rs199698673, ClinGen allele CA1253682.